The following is an entry in ClinVar:

ClinVar aggregate classification (germline): Conflicting classifications of pathogenicity. Review status: criteria provided, conflicting classifications (1 of 4 stars). 4 submissions from 4 submitters: Uncertain significance (2); Benign (1); Likely benign (1). Last evaluated 2025-10-24.

Conditions:
Oculocerebrofacial syndrome, Kaufman type. Also called: Blepharophimosis-ptosis-intellectual disability syndrome. Identifiers: Orphanet 2707, MedGen C1855663, MONDO:0009485, OMIM 244450.
Inborn genetic diseases. Identifiers: MedGen C0950123, MeSH D030342.

Allele frequency attached by ClinVar (database versions not stated): TOPMed 0.00019; gnomAD exomes 0.00021 and 0.00042; ESP Exome Variant Server 0.00023; gnomAD 0.00023 and 0.00024; ExAC 0.00026.
gnomAD v4.1: 364 of 1,613,856 alleles (0.023%); highest among the groups gnomAD compares: Admixed American, 0.005%; 1 homozygote.

Submissions (4):

Labcorp Genetics (formerly Invitae), Labcorp
Classification: Benign. Last evaluated: 2025-10-24. Review status: criteria provided, single submitter. Criteria: Invitae Variant Classification Sherloc (09022015). Collection method: clinical testing. Allele origin: germline.

CeGaT Center for Human Genetics Tuebingen
Classification: Uncertain significance. Last evaluated: 2023-07-01. Review status: criteria provided, single submitter. Criteria: CeGaT Center For Human Genetics Tuebingen Variant Classification Criteria Version 2. Collection method: clinical testing. Allele origin: germline. Affected: yes. Observed: 5 variant alleles.
Comment: UBE3B: PM2

Department of Pathology and Laboratory Medicine, Sinai Health System
Classification: Uncertain significance for Oculocerebrofacial syndrome, Kaufman type. Last evaluated: 2023-01-24. Review status: criteria provided, single submitter. Criteria: ACMG Guidelines, 2015. Collection method: research. Allele origin: germline.

Ambry Genetics
Classification: Likely benign for Inborn genetic diseases. Last evaluated: 2022-05-09. Review status: criteria provided, single submitter. Criteria: Ambry Variant Classification Scheme 2023. Collection method: clinical testing. Allele origin: germline.

NM_130466.4(UBE3B):c.2764C>T (p.Arg922Cys)

Gene: UBE3B (ubiquitin protein ligase E3B; plus strand). Cytogenetic location: 12q24.11.
Variant type: single nucleotide variant.
Coding change: c.2764C>T on transcript NM_130466.4 (MANE Select); coding-DNA position 2764, C replaced by T.
Protein change: p.Arg922Cys; replaces arginine 922 with cysteine.
Molecular consequence: missense variant.
Genome position (GRCh38, 1-based): chr12:109,530,026, C>T. VCF-style: chr12-109530026-C-T. GRCh37 (hg19) VCF-style: chr12-109967831-C-T.
Other names: c.2764C>T, p.Arg922Cys (NM_183415.3); c.2764C>T (NM_130466.2); short protein forms R922C.
Identifiers: ClinVar variation 806937 (VCV000806937.52), dbSNP rs202144137, ClinGen allele CA6778309.
Genomic context (GRCh38, chr12:109,530,026, plus strand): 5'-GGATTCCGTTCCATTATCAAACCCGAGTGGATCCGAATGTTCTCAACTCCTGAACTGCAG[C>T]GTCTCATCTCTGGCGACAATGCTGAGATTGATCTGGAAGATTTAAAGTAAGAGGCGGGTG-3'
Protein context (NP_569733.2, residues 912-932): IRMFSTPELQ[Arg922Cys]LISGDNAEID